The following is an entry in ClinVar:

ClinVar aggregate classification (germline): Uncertain significance. Review status: criteria provided, multiple submitters, no conflicts (2 of 4 stars). 3 submissions from 3 submitters: Uncertain significance (3). Last evaluated 2025-10-07.

Conditions:
Hereditary cancer-predisposing syndrome. Also called: Neoplastic Syndromes, Hereditary; Tumor predisposition; Hereditary Cancer Syndrome; Hereditary neoplastic syndrome. Identifiers: Orphanet 140162, MedGen C0027672, MeSH D009386, MONDO:0015356.

Submissions (3):

Ambry Genetics
Classification: Uncertain significance for Hereditary cancer-predisposing syndrome. Last evaluated: 2025-10-07. Review status: criteria provided, single submitter. Criteria: Ambry Variant Classification Scheme 2023. Collection method: clinical testing. Allele origin: germline.

Labcorp Genetics (formerly Invitae), Labcorp
Classification: Uncertain significance. Last evaluated: 2025-08-26. Review status: criteria provided, single submitter. Criteria: Invitae Variant Classification Sherloc (09022015). Collection method: clinical testing. Allele origin: germline.
Comment: This sequence change replaces histidine, which is basic and polar, with tyrosine, which is neutral and polar, at codon 117 of the NTHL1 protein (p.His117Tyr). This variant is not present in population databases (gnomAD no frequency). This variant has not been reported in the literature in individuals affected with NTHL1-related conditions. ClinVar contains an entry for this variant (Variation ID: 1732022). An algorithm developed to predict the effect of missense changes on protein structure and function (PolyPhen-2) suggests that this variant is likely to be tolerated. In summary, the available evidence is currently insufficient to determine the role of this variant in disease. Therefore, it has been classified as a Variant of Uncertain Significance.

Quest Diagnostics Nichols Institute San Juan Capistrano
Classification: Uncertain significance. Last evaluated: 2025-03-04. Review status: criteria provided, single submitter. Criteria: Quest Diagnostics criteria. Collection method: clinical testing. Allele origin: unknown.
Comment: The NTHL1 c.349C>T (p.His117Tyr) variant has not been reported in individuals with NTHL1-related conditions in the published literature. It also has not been reported in large, multi-ethnic general populations (Genome Aggregation Database). Analysis of this variant using bioinformatics tools for the prediction of the effect of amino acid changes on protein structure and function yielded predictions that this variant is benign. Based on the available information, we are unable to determine the clinical significance of this variant.

NM_002528.7(NTHL1):c.325C>T (p.His109Tyr)

Gene: NTHL1 (nth like DNA glycosylase 1; minus strand). Cytogenetic location: 16p13.3.
Variant type: single nucleotide variant.
Coding change: c.325C>T on transcript NM_002528.7 (MANE Select); coding-DNA position 325, C replaced by T.
Protein change: p.His109Tyr; replaces histidine 109 with tyrosine.
Molecular consequence: missense variant. On other transcripts: intron variant (1).
Genome position (GRCh38, 1-based): chr16:2,046,157, G>A on the plus strand (C>T on the coding strand, the complement: NTHL1 is on the minus strand). VCF-style: chr16-2046157-G-A. GRCh37 (hg19) VCF-style: chr16-2096158-G-A.
Other names: c.349C>T (NM_002528.6); c.325C>T, p.His109Tyr (NM_001318193.2); c.24+123C>T (NM_001318194.2); short protein forms H109Y.
Identifiers: ClinVar variation 1732022 (VCV001732022.8), dbSNP rs2150945174, ClinGen allele CA394295252.